The following is an entry in ClinVar:

NC_000005.10:g.(?_147824641)_(147831792_?)del

Gene: SPINK1 (serine peptidase inhibitor Kazal type 1; minus strand). Cytogenetic location: 5q32.
Variant type: Deletion.
Identifiers: ClinVar variation 583901 (VCV000583901.1).

ClinVar aggregate classification (germline): Pathogenic (1 of 4 stars; one submission).

Conditions:
Hereditary pancreatitis (PCTT). Also called: Hereditary chronic pancreatitis; PRSS1-Related Hereditary Pancreatitis. Identifiers: Orphanet 676, MedGen C0238339, MONDO:0008185, OMIM 167800.

Submission:

Labcorp Genetics (formerly Invitae), Labcorp
Classification: Pathogenic for Hereditary pancreatitis. Last evaluated: 2018-06-14. Review status: criteria provided, single submitter. Criteria: Invitae Variant Classification Sherloc (09022015). Collection method: clinical testing. Allele origin: germline.
Comment: A gross deletion of the genomic region encompassing the full coding sequence of the SPINK1 gene has been identified. The boundaries of this event are unknown as the deletion extends beyond the assayed region for this gene and therefore may encompass additional genes. A deletion encompassing the entire coding sequence of the SPINK1 gene has been reported in an individual affected with chronic pancreatitis (PMID: 17681820). Loss-of-function variants in SPINK1 are known to be pathogenic (PMID: 14722925,17681820). For these reasons, this variant has been classified as Pathogenic.

Literature cited by the submitters: PubMed 17681820.